The following is an entry in ClinVar:

ClinVar aggregate classification (germline): Pathogenic/Likely pathogenic. Review status: criteria provided, multiple submitters, no conflicts (2 of 4 stars). 3 submissions from 3 submitters: Pathogenic (2); Likely pathogenic (1). Last evaluated 2025-08-27.

Conditions:
Deafness-lymphedema-leukemia syndrome. Also called: Emberger syndrome; Lymphedema, primary, with myelodysplasia. Identifiers: Orphanet 3226, MedGen C3279664, MONDO:0013540, OMIM 614038.
GATA2 deficiency with susceptibility to MDS/AML. Identifiers: MedGen CN300066, MONDO:0042982.
Inborn genetic diseases. Identifiers: MedGen C0950123, MeSH D030342.

Submissions (3):

Ambry Genetics
Classification: Likely pathogenic for Inborn genetic diseases. Last evaluated: 2025-08-27. Review status: criteria provided, single submitter. Criteria: Ambry Variant Classification Scheme 2023. Collection method: clinical testing. Allele origin: germline.
Comment: The p.Q20* variant (also known as c.58C>T), located in coding exon 1 of the GATA2 gene, results from a C to T substitution at nucleotide position 58. This changes the amino acid from a glutamine to a stop codon within coding exon 1. The predicted stop codon occurs in the 5&rsquo; end of theGATA2 gene. Premature termination codons in the 5&rsquo; end of a gene have been reported to escape nonsense-mediated mRNAdecay and/or lead to re-initiation (Rivas et al. Science. 2015 May 8;348(6235):666-9; Lindeboom et al. Nat Genet. 2016 Oct;48(10):1112-8; Rhee et al. Sci Rep. 2017 May 10;7(1):1653). Direct evidence for this alteration is unavailable, however premature termination codons are typically deleterious in nature. This variant was reported in individuals with features consistent with GATA2 deficiency syndrome (Esparza O et al. Pediatr Blood Cancer, 2019 Jun;66:e27649; Kozyra EJ et al. Blood, 2021 Dec;138:2441-2445). This variant is considered to be rare based on population cohorts in the Genome Aggregation Database (gnomAD). Based on the majority of available evidence to date, this variant is likely to be pathogenic.

GeneDx
Classification: Pathogenic. Last evaluated: 2024-12-17. Review status: criteria provided, single submitter. Criteria: GeneDx Variant Classification Process June 2021. Collection method: clinical testing. Allele origin: germline. Affected: yes.
Comment: Nonsense variant predicted to result in protein truncation or nonsense mediated decay in a gene for which loss of function is a known mechanism of disease; Not observed at significant frequency in large population cohorts (gnomAD); This variant is associated with the following publications: (PMID: 30802360, 34469508)

Molecular Pathology Research Laboratory, SA Pathology
Classification: Pathogenic for GATA2 deficiency with susceptibility to MDS/AML; Deafness-lymphedema-leukemia syndrome. Last evaluated: 2021-07-06. Review status: criteria provided, single submitter. Criteria: ACMG Guidelines, 2015. Collection method: curation. Allele origin: germline. Inheritance: Autosomal dominant inheritance. Affected: yes. Observed: 1 variant allele.
Comment: PVS1, PS4_Supporting, PM2

Literature cited by the submitters: PubMed 30802360 (cited by Ambry Genetics and Molecular Pathology Research Laboratory, SA Pathology); PubMed 34469508 (cited by Ambry Genetics).

NM_032638.5(GATA2):c.58C>T (p.Gln20Ter)

Gene: GATA2 (GATA binding protein 2; minus strand). Cytogenetic location: 3q21.3.
Variant type: single nucleotide variant.
Coding change: c.58C>T on transcript NM_032638.5 (MANE Select); coding-DNA position 58, C replaced by T.
Protein change: p.Gln20Ter; replaces glutamine 20 with a stop codon.
Molecular consequence: nonsense.
Genome position (GRCh38, 1-based): chr3:128,486,974, G>A on the plus strand (C>T on the coding strand, the complement: GATA2 is on the minus strand). VCF-style: chr3-128486974-G-A. GRCh37 (hg19) VCF-style: chr3-128205817-G-A.
Other names: c.58C>T, p.Gln20Ter (NM_001145661.2, NM_001145662.1); c.58C>T (NM_032638.4); short protein forms Q20*.
Identifiers: ClinVar variation 1184143 (VCV001184143.3), dbSNP rs2107673689, ClinGen allele CA354409121.